The following is an entry in ClinVar:

ClinVar aggregate classification (germline): Benign/Likely benign. Review status: criteria provided, multiple submitters, no conflicts (2 of 4 stars). 4 submissions from 3 submitters: Benign (3); Likely benign (1). Last evaluated 2021-12-05.

Conditions:
Chondrocalcinosis 2. Also called: Familial calcium pyrophosphate deposition; CALCIUM GOUT; CALCIUM PYROPHOSPHATE ARTHROPATHY. Identifiers: Orphanet 1416, MedGen C0856830, MONDO:0007319, OMIM 118600.
Craniometaphyseal dysplasia, autosomal dominant (CMDD). Identifiers: Orphanet 1522, MedGen C1852502, MONDO:0007397, OMIM 123000.

Allele frequency attached by ClinVar (database versions not stated): TOPMed below 0.00001; gnomAD 0.00001 and 0.00002; ExAC 0.00002; gnomAD exomes 0.00002.
gnomAD v4.1: 21 of 1,614,080 alleles (0.0013%); highest among the groups gnomAD compares: East Asian, 0.038%; no homozygotes.

Submissions (4):

Genome-Nilou Lab
Classification: Benign for Craniometaphyseal dysplasia, autosomal dominant. Last evaluated: 2021-12-05. Review status: criteria provided, single submitter. Criteria: ACMG Guidelines, 2015. Collection method: clinical testing. Allele origin: germline. Affected: no.

Labcorp Genetics (formerly Invitae), Labcorp
Classification: Likely benign. Last evaluated: 2020-12-15. Review status: criteria provided, single submitter. Criteria: Invitae Variant Classification Sherloc (09022015). Collection method: clinical testing. Allele origin: germline.

Illumina Laboratory Services, Illumina
Classification: Benign for Craniometaphyseal dysplasia, autosomal dominant. Last evaluated: 2018-01-13. Review status: criteria provided, single submitter. Criteria: ICSL Variant Classification Criteria 13 December 2019. Collection method: clinical testing. Allele origin: germline.
Comment: This variant was observed in the ICSL laboratory as part of a predisposition screen in an ostensibly healthy population. It had not been previously curated by ICSL or reported in the Human Gene Mutation Database (HGMD: prior to June 1st, 2018), and was therefore a candidate for classification through an automated scoring system. Utilizing variant allele frequency, disease prevalence and penetrance estimates, and inheritance mode, an automated score was calculated to assess if this variant is too frequent to cause the disease. Based on the score and internal cut-off values, a variant classified as benign is not then subjected to further curation. The score for this variant resulted in a classification of benign for this disease.

Illumina Laboratory Services, Illumina
Classification: Benign for Chondrocalcinosis 2. Last evaluated: 2018-01-13. Review status: criteria provided, single submitter. Criteria: ICSL Variant Classification Criteria 13 December 2019. Collection method: clinical testing. Allele origin: germline.
Comment: the same text as in the submission from Illumina Laboratory Services, Illumina above.

NM_054027.6(ANKH):c.282G>A (p.Gly94=)

Gene: ANKH (ANKH inorganic pyrophosphate transport regulator; minus strand). Cytogenetic location: 5p15.2.
Variant type: single nucleotide variant.
Coding change: c.282G>A on transcript NM_054027.6 (MANE Select); coding-DNA position 282, G replaced by A.
Protein change: p.Gly94=; no amino-acid change (glycine 94 retained).
Molecular consequence: synonymous variant.
Genome position (GRCh38, 1-based): chr5:14,769,006, C>T on the plus strand (G>A on the coding strand, the complement: ANKH is on the minus strand). VCF-style: chr5-14769006-C-T. GRCh37 (hg19) VCF-style: chr5-14769115-C-T.
Identifiers: ClinVar variation 905081 (VCV000905081.12), dbSNP rs760249447, ClinGen allele CA3209180.